The following is an entry in ClinVar:

ClinVar aggregate classification (germline): Uncertain significance (1 of 4 stars; one submission).

Submission:

GeneDx
Classification: Uncertain significance. Last evaluated: 2022-05-16. Review status: criteria provided, single submitter. Criteria: GeneDx Variant Classification Process June 2021. Collection method: clinical testing. Allele origin: germline. Affected: yes.
Comment: Not observed at significant frequency in large population cohorts (gnomAD); In silico analysis supports that this missense variant has a deleterious effect on protein structure/function; Has not been previously published as pathogenic or benign to our knowledge

NM_004370.6(COL12A1):c.8332C>T (p.Pro2778Ser)

Gene: COL12A1 (collagen type XII alpha 1 chain; minus strand). Cytogenetic location: 6q13.
Variant type: single nucleotide variant.
Coding change: c.8332C>T on transcript NM_004370.6 (MANE Select); coding-DNA position 8332, C replaced by T.
Protein change: p.Pro2778Ser; replaces proline 2778 with serine.
Molecular consequence: missense variant.
Genome position (GRCh38, 1-based): chr6:75,102,680, G>A on the plus strand (C>T on the coding strand, the complement: COL12A1 is on the minus strand). VCF-style: chr6-75102680-G-A. GRCh37 (hg19) VCF-style: chr6-75812396-G-A.
Other names: c.4840C>T, p.Pro1614Ser (NM_080645.3); short protein forms P1614S, P2778S.
Identifiers: ClinVar variation 1800582 (VCV001800582.1), dbSNP rs1327776228, ClinGen allele CA364739772.